The following is an entry in ClinVar:

ClinVar aggregate classification (germline): Uncertain significance (1 of 4 stars; one submission).

Conditions:
Aortic aneurysm, familial thoracic 7 (AAT7). Also called: AORTIC DISSECTION, FAMILIAL, WITH OR WITHOUT AORTIC ANEURYSM. Identifiers: MedGen C3151077, MONDO:0013418, OMIM 613780.

Submission:

Labcorp Genetics (formerly Invitae), Labcorp
Classification: Uncertain significance for Aortic aneurysm, familial thoracic 7. Last evaluated: 2023-01-26. Review status: criteria provided, single submitter. Criteria: Invitae Variant Classification Sherloc (09022015). Collection method: clinical testing. Allele origin: germline.
Comment: This variant is not present in population databases (gnomAD no frequency). This sequence change replaces alanine, which is neutral and non-polar, with aspartic acid, which is acidic and polar, at codon 50 of the MYLK protein (p.Ala50Asp). This variant has not been reported in the literature in individuals affected with MYLK-related conditions. In summary, the available evidence is currently insufficient to determine the role of this variant in disease. Therefore, it has been classified as a Variant of Uncertain Significance. Advanced modeling of protein sequence and biophysical properties (such as structural, functional, and spatial information, amino acid conservation, physicochemical variation, residue mobility, and thermodynamic stability) performed at Invitae indicates that this missense variant is not expected to disrupt MYLK protein function.

NM_053025.4(MYLK):c.149C>A (p.Ala50Asp)

Gene: MYLK (myosin light chain kinase; minus strand). Cytogenetic location: 3q21.1.
Variant type: single nucleotide variant.
Coding change: c.149C>A on transcript NM_053025.4 (MANE Select); coding-DNA position 149, C replaced by A.
Protein change: p.Ala50Asp; replaces alanine 50 with aspartic acid.
Molecular consequence: missense variant. On other transcripts: 5 prime UTR variant (1).
Genome position (GRCh38, 1-based): chr3:123,793,693, G>T on the plus strand (C>A on the coding strand, the complement: MYLK is on the minus strand). VCF-style: chr3-123793693-G-T. GRCh37 (hg19) VCF-style: chr3-123512540-G-T.
Other names: c.-172C>A (NM_001321309.2); c.149C>A, p.Ala50Asp (NM_053026.4, NM_053027.4, NM_053028.4); short protein forms A50D.
Identifiers: ClinVar variation 2832075 (VCV002832075.3), dbSNP rs369576521, ClinGen allele CA354236398.